The following is an entry in ClinVar:

NM_000548.5(TSC2):c.1985C>T (p.Pro662Leu)

Gene: TSC2 (TSC complex subunit 2; plus strand). Cytogenetic location: 16p13.3.
Variant type: single nucleotide variant.
Coding change: c.1985C>T on transcript NM_000548.5 (MANE Select); coding-DNA position 1985, C replaced by T.
Protein change: p.Pro662Leu; replaces proline 662 with leucine.
Molecular consequence: missense variant.
Genome position (GRCh38, 1-based): chr16:2,071,822, C>T. VCF-style: chr16-2071822-C-T. GRCh37 (hg19) VCF-style: chr16-2121823-C-T.
Other names: c.1985C>T (NM_000548.3); c.1985C>T, p.Pro662Leu (NM_001077183.3, NM_001114382.3, NM_001363528.2 and 3 more transcripts); c.1874C>T, p.Pro625Leu (NM_001318827.2); c.1838C>T, p.Pro613Leu (NM_001318829.2); c.1385C>T, p.Pro462Leu (NM_001318831.2); c.2018C>T, p.Pro673Leu (NM_001318832.2); short protein forms P462L, P613L, P625L, P662L, P673L.
Identifiers: ClinVar variation 983049 (VCV000983049.12), dbSNP rs2088455520, ClinGen allele CA394274392.

ClinVar aggregate classification (germline): Uncertain significance. Review status: criteria provided, multiple submitters, no conflicts (2 of 4 stars). 4 submissions from 4 submitters: Uncertain significance (4). Last evaluated 2025-01-31.

Conditions:
Hereditary cancer-predisposing syndrome. Also called: Tumor predisposition; Hereditary neoplastic syndrome; Neoplastic Syndromes, Hereditary; Hereditary Cancer Syndrome. Identifiers: Orphanet 140162, MedGen C0027672, MeSH D009386, MONDO:0015356.
Tuberous sclerosis 2 (TSC2). Identifiers: Orphanet 805, MedGen C1860707, MONDO:0013199, OMIM 613254.

Submissions (4):

Ambry Genetics
Classification: Uncertain significance for Hereditary cancer-predisposing syndrome. Last evaluated: 2025-01-31. Review status: criteria provided, single submitter. Criteria: Ambry Variant Classification Scheme 2023. Collection method: clinical testing. Allele origin: germline.
Comment: The p.P662L variant (also known as c.1985C>T), located in coding exon 18 of the TSC2 gene, results from a C to T substitution at nucleotide position 1985. The proline at codon 662 is replaced by leucine, an amino acid with similar properties. This amino acid position is conserved. In addition, the in silico prediction for this alteration is inconclusive. Based on the available evidence, the clinical significance of this variant remains unclear.

Labcorp Genetics (formerly Invitae), Labcorp
Classification: Uncertain significance for Tuberous sclerosis 2. Last evaluated: 2023-09-09. Review status: criteria provided, single submitter. Criteria: Invitae Variant Classification Sherloc (09022015). Collection method: clinical testing. Allele origin: germline.
Comment: This sequence change replaces proline, which is neutral and non-polar, with leucine, which is neutral and non-polar, at codon 662 of the TSC2 protein (p.Pro662Leu). This variant is not present in population databases (gnomAD no frequency). This variant has not been reported in the literature in individuals affected with TSC2-related conditions. ClinVar contains an entry for this variant (Variation ID: 983049). Advanced modeling of protein sequence and biophysical properties (such as structural, functional, and spatial information, amino acid conservation, physicochemical variation, residue mobility, and thermodynamic stability) performed at Invitae indicates that this missense variant is not expected to disrupt TSC2 protein function. In summary, the available evidence is currently insufficient to determine the role of this variant in disease. Therefore, it has been classified as a Variant of Uncertain Significance.

Genome-Nilou Lab
Classification: Uncertain significance for Tuberous sclerosis 2. Last evaluated: 2021-11-07. Review status: criteria provided, single submitter. Criteria: ACMG Guidelines, 2015. Collection method: clinical testing. Allele origin: germline. Affected: no.

Institute of Human Genetics, University of Leipzig Medical Center
Classification: Uncertain significance for Tuberous sclerosis 2. Last evaluated: 2019-01-01. Review status: criteria provided, single submitter. Criteria: ACMG Guidelines, 2015. Collection method: clinical testing. Allele origin: unknown. Affected: yes.